The following is an entry in ClinVar:

ClinVar aggregate classification (germline): Uncertain significance (1 of 4 stars; one submission).

Allele frequency attached by ClinVar (database versions not stated): gnomAD exomes below 0.00001 and 0.00001; TOPMed below 0.00001; ExAC 0.00002; gnomAD 0.00001.
gnomAD v4.1: 7 of 1,613,968 alleles (0.00043%); highest among the groups gnomAD compares: Middle Eastern, 0.016%; no homozygotes.

Submission:

Labcorp Genetics (formerly Invitae), Labcorp
Classification: Uncertain significance. Last evaluated: 2022-07-19. Review status: criteria provided, single submitter. Criteria: Invitae Variant Classification Sherloc (09022015). Collection method: clinical testing. Allele origin: germline.
Comment: In summary, the available evidence is currently insufficient to determine the role of this variant in disease. Therefore, it has been classified as a Variant of Uncertain Significance. Algorithms developed to predict the effect of missense changes on protein structure and function (SIFT, PolyPhen-2, Align-GVGD) all suggest that this variant is likely to be disruptive. ClinVar contains an entry for this variant (Variation ID: 1477549). This variant has not been reported in the literature in individuals affected with ARID1B-related conditions. This variant is present in population databases (rs772972321, gnomAD 0.005%). This sequence change replaces arginine, which is basic and polar, with cysteine, which is neutral and slightly polar, at codon 1416 of the ARID1B protein (p.Arg1416Cys).

NM_001374828.1(ARID1B):c.4615C>T (p.Arg1539Cys)

Gene: ARID1B (AT-rich interaction domain 1B; plus strand). Cytogenetic location: 6q25.3.
Variant type: single nucleotide variant.
Coding change: c.4615C>T on transcript NM_001374828.1 (MANE Select); coding-DNA position 4615, C replaced by T.
Protein change: p.Arg1539Cys; replaces arginine 1539 with cysteine.
Molecular consequence: missense variant.
Genome position (GRCh38, 1-based): chr6:157,200,840, C>T. VCF-style: chr6-157200840-C-T. GRCh37 (hg19) VCF-style: chr6-157521974-C-T.
Other names: c.2116C>T, p.Arg706Cys (NM_001363725.2); c.4495C>T, p.Arg1499Cys (NM_001371656.1, NM_001374820.1); c.4456C>T, p.Arg1486Cys (NM_017519.3); short protein forms R1539C, R706C, R1486C, R1499C.
Identifiers: ClinVar variation 1477549 (VCV001477549.6), dbSNP rs772972321, ClinGen allele CA4067668.